The following is an entry in ClinVar:

ClinVar aggregate classification (germline): Benign (1 of 4 stars; one submission).

Conditions:
Retinoblastoma (RB1). Also called: RETINOBLASTOMA, SOMATIC. Identifiers: Orphanet 790, MedGen C0035335, MeSH D012175, MONDO:0008380, OMIM 180200, HP:0009919. Disease mechanism: loss of function. Inheritance: Both sporadic and heritable forms are tested..

Submission:

Myriad Genetics, Inc.
Classification: Benign for Retinoblastoma. Last evaluated: 2026-06-24. Review status: criteria provided, single submitter. Criteria: Myriad Autosomal Dominant, Autosomal Recessive and X-Linked Classification Criteria (2023). Collection method: clinical testing. Allele origin: unknown.
Comment: This variant is considered benign. This variant is a silent/synonymous amino acid change and it is not expected to impact splicing.

NM_000321.3(RB1):c.991C>T (p.Leu331=)

Gene: RB1 (RB transcriptional corepressor 1; plus strand). Cytogenetic location: 13q14.2.
Variant type: single nucleotide variant.
Coding change: c.991C>T on transcript NM_000321.3 (MANE Select); coding-DNA position 991, C replaced by T.
Protein change: p.Leu331=; no amino-acid change (leucine 331 retained).
Molecular consequence: synonymous variant.
Genome position (GRCh38, 1-based): chr13:48,367,545, C>T. VCF-style: chr13-48367545-C-T. GRCh37 (hg19) VCF-style: chr13-48941681-C-T.
Other names: c.991C>T, p.Leu331= (NM_001407165.1, NM_001407166.1).
Identifiers: ClinVar variation 4875835 (VCV004875835.1).